The following is an entry in ClinVar:

NM_007194.4(CHEK2):c.591del (p.Val198fs)

Gene: CHEK2 (checkpoint kinase 2; minus strand). Cytogenetic location: 22q12.1.
Variant type: Deletion.
Coding change: c.591del on transcript NM_007194.4 (MANE Select); coding-DNA position 591, one base deleted (A; older notation c.591delA).
Protein change: p.Val198fs; shifts the reading frame from valine 198.
Molecular consequence: frameshift variant. On other transcripts: 5 prime UTR variant (2), intron variant (1).
Genome position (GRCh38, 1-based): chr22:28,724,978, T deleted on the plus strand (A on the coding strand, the reverse complement: CHEK2 is on the minus strand); the first of 3 consecutive T bases (chr22:28,724,978-28,724,980); deleting any one gives the same sequence. VCF-style (leftmost placement, unchanged base first): chr22-28724977-CT-C. GRCh37 (hg19) VCF-style: chr22-29120965-CT-C.
Other names: c.-187del (NM_001257387.3); c.-73del (NM_001437942.1); c.684del, p.Val229fs (NM_001438293.1, NM_001438295.1); c.720del, p.Val241fs (NM_001438294.1, NM_001005735.3); c.591del, p.Val198fs (NM_145862.3); c.445-55del (NM_001349956.3); short protein forms V241fs, V198fs, V229fs.
Identifiers: ClinVar variation 142114 (VCV000142114.57), dbSNP rs587782245, ClinGen allele CA294259.
Genomic context (GRCh38, chr22:28,724,977, plus strand): 5'-TTTCCTCCTATGAGAGAGTGGAAAAAAAAAATTCCAGTAACCATAAGATAATAATATTAC[CT>C]TTATTTCTGCTTAGTGACAGTGCAATTTCAGAATTGTTATTCAAAGGACGGCGTTTTCCT-3'

ClinVar aggregate classification (germline): Pathogenic/Likely pathogenic. Review status: criteria provided, multiple submitters, no conflicts (2 of 4 stars). 21 submissions from 21 submitters: Pathogenic (17); Likely pathogenic (2). 2 of the submissions do not count toward it. Last evaluated 2026-10-01.

Conditions:
Colorectal cancer. Also called: Colorectal cancer, somatic; Malignant Colorectal Neoplasm. Identifiers: MedGen C0346629, MONDO:0005575, OMIM 114500.
Prostate cancer. Also called: Malignant tumor of prostate. Identifiers: Orphanet 1331, MedGen C0376358, MONDO:0008315, HP:0012125.
Familial cancer of breast. Also called: Hereditary breast cancer; hereditary breast carcinoma; BREAST CANCER, FAMILIAL. Identifiers: Orphanet 227535, MedGen C0346153, MONDO:0016419, OMIM 114480. Disease mechanism: loss of function.
Childhood neoplasm. Identifiers: MedGen C1368871, MONDO:0021079.
CHEK2-related disorder.
Inherited breast cancer and ovarian cancer.
Predisposition to cancer.
Breast and/or ovarian cancer. Identifiers: MedGen CN221562.
Hereditary cancer-predisposing syndrome. Also called: Neoplastic Syndromes, Hereditary; Tumor predisposition; Hereditary neoplastic syndrome; Hereditary Cancer Syndrome. Identifiers: Orphanet 140162, MedGen C0027672, MeSH D009386, MONDO:0015356.
Hereditary breast ovarian cancer syndrome. Also called: Breast and ovarian cancer; BRCA1- and BRCA2-Associated Hereditary Breast and Ovarian Cancer; Hereditary breast and/or ovarian cancer syndrome; Hereditary breast and ovarian cancer syndrome; Hereditary breast and ovarian cancer; Hereditary breast and ovarian cancer syndrome (HBOC). Identifiers: Orphanet 145, MedGen C0677776, MeSH D061325, MONDO:0003582. Disease mechanism: loss of function.
Malignant tumor of breast. Also called: Malignant breast neoplasm; Cancer breast. Identifiers: MedGen C0006142, MONDO:0007254. Disease mechanism: loss of function.

Submissions 1 to 12 of 21:

St. Jude Molecular Pathology, St. Jude Children's Research Hospital
Classification: Pathogenic for Predisposition to cancer. Last evaluated: 2026-10-01. Review status: criteria provided, single submitter. Criteria: St. Jude Assertion Criteria 2020. Collection method: clinical testing. Allele origin: germline.
Comment: The CHEK2 c.591del p.(Val198PhefsTer7) change deletes one nucleotide to cause a frameshift and the creation of a premature stop codon. This change is predicted to cause protein truncation or absence of protein due to nonsense-mediated decay. This variant has a maximum subpopulation frequency of 0.004% in gnomAD v2.1.1. This variant has been reported in individuals with breast cancer and prostate cancer (PMID: 17721994, 26681312, 27433846, 28008555). In summary, this variant meets criteria to be classified as pathogenic.

Genetics Laboratory, Great Ormond Street Hospital NHS Foundation Trust, North Thames Genomic Laboratory Hub
Classification: Likely pathogenic for Inherited breast cancer and ovarian cancer. Last evaluated: 2026-04-09. Review status: criteria provided, single submitter. Criteria: CanVIG CHEK2 Gene Specific V1.2. Collection method: clinical testing. Allele origin: germline. Affected: yes.
Comment: PVS1_very-strong, PM5_supporting

CeGaT Center for Human Genetics Tuebingen
Classification: Pathogenic. Last evaluated: 2026-03-01. Review status: criteria provided, single submitter. Criteria: CeGaT Center For Human Genetics Tuebingen Variant Classification Criteria Version 2. Collection method: clinical testing. Allele origin: germline. Affected: yes. Observed: 2 variant alleles.
Comment: CHEK2: PVS1, PS4, PM2:Supporting

Labcorp Genetics (formerly Invitae), Labcorp
Classification: Pathogenic for Familial cancer of breast. Last evaluated: 2026-01-31. Review status: criteria provided, single submitter. Criteria: Invitae Variant Classification Sherloc (09022015). Collection method: clinical testing. Allele origin: germline.
Comment: This sequence change creates a premature translational stop signal (p.Val198Phefs*7) in the CHEK2 gene. It is expected to result in an absent or disrupted protein product. Loss-of-function variants in CHEK2 are known to be pathogenic (PMID: 21876083, 24713400). This variant is present in population databases (rs587782245, gnomAD 0.004%). This premature translational stop signal has been observed in individual(s) with prostate cancer and breast cancer (PMID: 17721994, 26681312, 27433846, 28008555). This variant is also known as 589delA. ClinVar contains an entry for this variant (Variation ID: 142114). For these reasons, this variant has been classified as Pathogenic.

PreventionGenetics, part of Exact Sciences
Classification: Pathogenic for CHEK2-related condition. Last evaluated: 2025-04-28. Review status: criteria provided, single submitter. Criteria: ACMG Guidelines, 2015. Collection method: clinical testing. Allele origin: germline.
Comment: The CHEK2 c.591delA variant is predicted to result in a frameshift and premature protein termination (p.Val198Phefs*7). This variant, also known as 589delA, has been reported in multiple females with breast cancer (Table S1 in Schroeder et al. 2015. PubMed ID: 26022348; Table S3 in Girard et al. 2019. PubMed ID: 30303537; Table S7 in Bhai et al. 2021. PubMed ID: 34326862). It has also been reported in males with breast cancer and prostate cancer (Table S1 in Pritchard et al. 2016. PubMed ID: 27433846, Pritzlaff et al. 2017. PubMed ID: 28008555). This variant is reported in 0.0040% of alleles in individuals of African descent in gnomAD and is interpreted as likely pathogenic and pathogenic in ClinVar. Frameshift variants in CHEK2 are expected to be pathogenic. This variant is interpreted as pathogenic.

Genomics and Molecular Medicine Service, East Genomic Laboratory Hub, NHS Genomic Medicine Service
Classification: Likely pathogenic for Inherited breast cancer and ovarian cancer. Last evaluated: 2025-03-14. Review status: criteria provided, single submitter. Criteria: ACGS Best Practice Guidelines for Variant Classification in Rare Disease 2020. Collection method: clinical testing. Allele origin: germline. Affected: yes.
Comment: PVS1,PM5_Supporting

Ambry Genetics
Classification: Pathogenic for Hereditary cancer-predisposing syndrome. Last evaluated: 2024-06-03. Review status: criteria provided, single submitter. Criteria: Ambry Variant Classification Scheme 2023. Collection method: clinical testing. Allele origin: germline.
Comment: The c.591delA pathogenic mutation, located in coding exon 3 of the CHEK2 gene, results from a deletion of one nucleotide at nucleotide position 591, causing a translational frameshift with a predicted alternate stop codon (p.V198Ffs*7). This alteration (designated as 589delA) has been reported in an early-onset breast cancer patient and results in inactivation of CHK2 kinase activity (Bell D et al. Int. J. Cancer. 2007 Dec;121(12):2661-7). In addition to the clinical data presented in the literature, this alteration is expected to result in loss of function by premature protein truncation or nonsense-mediated mRNA decay. As such, this alteration is interpreted as a disease-causing mutation.

Color Diagnostics, LLC DBA Color Health
Classification: Pathogenic for Hereditary cancer-predisposing syndrome. Last evaluated: 2024-05-06. Review status: criteria provided, single submitter. Criteria: ACMG Guidelines, 2015. Collection method: clinical testing. Allele origin: germline.
Comment: This variant deletes 1 nucleotide in exon 4 of the CHEK2 gene, creating a frameshift and premature translation stop signal. This variant is expected to result in an absent or non-functional protein product. This variant has been reported in individuals affected with breast cancer (PMID: 17721994, 26681312, 28008555, 30303537) and prostate cancer (PMID: 27433846). This variant has been identified in 6/282716 chromosomes in the general population by the Genome Aggregation Database (gnomAD). Loss of CHEK2 function is a known mechanism of disease. Based on the available evidence, this variant is classified as Pathogenic.

Baylor Genetics
Classification: Pathogenic for Familial cancer of breast. Last evaluated: 2024-03-24. Review status: criteria provided, single submitter. Criteria: ACMG Guidelines, 2015. Collection method: clinical testing. Allele origin: unknown.

GeneDx
Classification: Pathogenic. Last evaluated: 2023-05-16. Review status: criteria provided, single submitter. Criteria: GeneDx Variant Classification Process June 2021. Collection method: clinical testing. Allele origin: germline. Affected: yes.
Comment: Frameshift variant predicted to result in protein truncation or nonsense mediated decay in a gene for which loss of function is a known mechanism of disease; Observed in individuals with prostate cancer and breast cancer (Bell et al., 2007; Pritchard et al., 2016; Decker et al., 2017; Pritzlaff et al., 2017; Girard et al., 2019); Not observed at significant frequency in large population cohorts (gnomAD); Also known as 589delA; This variant is associated with the following publications: (PMID: 17721994, 26681312, 27751358, 30303537, 31447099, 27433846, 28008555, 26022348, 28779002, 33803639, 32906215, 32885271, 27806230, 31398194, 34204722, 32805687, 29922827, 28888541, 34687117, 33804961, 30625039, 34308104, 35441217)

CHEO Genetics Diagnostic Laboratory, Children's Hospital of Eastern Ontario
Classification: Pathogenic for Breast and/or ovarian cancer. Last evaluated: 2023-03-14. Review status: criteria provided, single submitter. Criteria: ACMG Guidelines, 2015. Collection method: clinical testing. Allele origin: germline.

Myriad Genetics, Inc.
Classification: Pathogenic for Familial cancer of breast. Last evaluated: 2023-03-09. Review status: criteria provided, single submitter. Criteria: Myriad Autosomal Dominant, Autosomal Recessive and X-Linked Classification Criteria (2023). Collection method: clinical testing. Allele origin: unknown.
Comment: This variant is considered pathogenic. This variant creates a frameshift predicted to result in premature protein truncation.